The following is an entry in ClinVar:

NM_004821.3(HAND1):c.544-1G>C

Gene: HAND1 (heart and neural crest derivatives expressed 1; minus strand). Cytogenetic location: 5q33.2.
Variant type: single nucleotide variant.
Coding change: c.544-1G>C on transcript NM_004821.3 (MANE Select); the canonical splice acceptor site of the intron before coding-DNA position 544, G replaced by C.
Molecular consequence: splice acceptor variant.
Genome position (GRCh38, 1-based): chr5:154,475,911, C>G on the plus strand (G>C on the coding strand, the complement: HAND1 is on the minus strand). VCF-style: chr5-154475911-C-G. GRCh37 (hg19) VCF-style: chr5-153855471-C-G.
Identifiers: ClinVar variation 4770910 (VCV004770910.1).

ClinVar aggregate classification (germline): Uncertain significance (1 of 4 stars; one submission).

Conditions:
Hypoplastic left heart syndrome. Also called: Hypoplastic left ventricle; Hypoplastic left heart. Identifiers: Orphanet 2248, MedGen C0152101, MONDO:0004933, HP:0004383.

Submission:

Labcorp Genetics (formerly Invitae), Labcorp
Classification: Uncertain significance for Hypoplastic left heart syndrome. Last evaluated: 2026-01-25. Review status: criteria provided, single submitter. Criteria: Invitae Variant Classification Sherloc (09022015). Collection method: clinical testing. Allele origin: germline.
Comment: This sequence change falls in intron 1 of the HAND1 gene. It does not directly change the encoded amino acid sequence of the HAND1 protein. It affects a nucleotide within the consensus splice site. This variant is not present in population databases (gnomAD no frequency). This variant has not been reported in the literature in individuals affected with HAND1-related conditions. Variants that disrupt the consensus splice site are a relatively common cause of aberrant splicing (PMID: 17576681, 9536098). Algorithms developed to predict the effect of sequence changes on RNA splicing suggest that this variant may disrupt the consensus splice site. In summary, the available evidence is currently insufficient to determine the role of this variant in disease. Therefore, it has been classified as a Variant of Uncertain Significance.

Literature cited by the submitters: PubMed 17576681; PubMed 9536098.